The following is an entry in ClinVar:

NM_000179.3(MSH6):c.3268G>A (p.Glu1090Lys)

Gene: MSH6 (mutS homolog 6; plus strand). Cytogenetic location: 2p16.3.
Variant type: single nucleotide variant.
Coding change: c.3268G>A on transcript NM_000179.3 (MANE Select); coding-DNA position 3268, G replaced by A.
Protein change: p.Glu1090Lys; replaces glutamic acid 1090 with lysine.
Molecular consequence: missense variant.
Genome position (GRCh38, 1-based): chr2:47,803,515, G>A. VCF-style: chr2-47803515-G-A. GRCh37 (hg19) VCF-style: chr2-48030654-G-A.
Other names: c.2878G>A, p.Glu960Lys (NM_001281492.2); c.2362G>A, p.Glu788Lys (NM_001281493.2, NM_001281494.2); short protein forms E960K, E788K, E1090K.
Identifiers: ClinVar variation 642408 (VCV000642408.12), dbSNP rs143477948, ClinGen allele CA46715935.

ClinVar aggregate classification (germline): Uncertain significance. Review status: criteria provided, multiple submitters, no conflicts (2 of 4 stars). 2 submissions from 2 submitters: Uncertain significance (2). Last evaluated 2023-11-06.

Conditions:
Hereditary nonpolyposis colorectal neoplasms. Identifiers: MedGen C0009405, MeSH D003123.
Hereditary cancer-predisposing syndrome. Also called: Neoplastic Syndromes, Hereditary; Tumor predisposition; Hereditary neoplastic syndrome; Hereditary Cancer Syndrome. Identifiers: Orphanet 140162, MedGen C0027672, MeSH D009386, MONDO:0015356.

Submissions (2):

Ambry Genetics
Classification: Uncertain significance for Hereditary cancer-predisposing syndrome. Last evaluated: 2023-11-06. Review status: criteria provided, single submitter. Criteria: Ambry Variant Classification Scheme 2023. Collection method: clinical testing. Allele origin: germline.
Comment: The p.E1090K variant (also known as c.3268G>A), located in coding exon 5 of the MSH6 gene, results from a G to A substitution at nucleotide position 3268. The glutamic acid at codon 1090 is replaced by lysine, an amino acid with similar properties. This amino acid position is conserved. In addition, the in silico prediction for this alteration is inconclusive. Since supporting evidence is limited at this time, the clinical significance of this alteration remains unclear.

Labcorp Genetics (formerly Invitae), Labcorp
Classification: Uncertain significance for Hereditary nonpolyposis colorectal neoplasms. Last evaluated: 2019-04-09. Review status: criteria provided, single submitter. Criteria: Invitae Variant Classification Sherloc (09022015). Collection method: clinical testing. Allele origin: germline.
Comment: This sequence change replaces glutamic acid with lysine at codon 1090 of the MSH6 protein (p.Glu1090Lys). The glutamic acid residue is moderately conserved and there is a small physicochemical difference between glutamic acid and lysine. This variant is not present in population databases (ExAC no frequency). This variant has not been reported in the literature in individuals with MSH6-related disease. An algorithm developed specifically for the MSH6 gene suggests that this missense change is likely to be tolerated (PMID: 23621914). However, this prediction has not been confirmed by published functional studies and its clinical significance is uncertain. In summary, the available evidence is currently insufficient to determine the role of this variant in disease. Therefore, it has been classified as a Variant of Uncertain Significance.

Literature cited by the submitters: PubMed 23621914 (cited by Labcorp Genetics (formerly Invitae), Labcorp).